The following is an entry in ClinVar:

NM_006846.4(SPINK5):c.338A>G (p.Asp113Gly)

Gene: SPINK5 (serine peptidase inhibitor Kazal type 5; plus strand). Cytogenetic location: 5q32.
Variant type: single nucleotide variant.
Coding change: c.338A>G on transcript NM_006846.4 (MANE Select); coding-DNA position 338, A replaced by G.
Protein change: p.Asp113Gly; replaces aspartic acid 113 with glycine.
Molecular consequence: missense variant.
Genome position (GRCh38, 1-based): chr5:148,086,460, A>G. VCF-style: chr5-148086460-A-G. GRCh37 (hg19) VCF-style: chr5-147466023-A-G.
Other names: c.338A>G, p.Asp113Gly (NM_001127698.2, NM_001127699.2); c.338A>G (NM_006846.3); short protein forms D113G.
Identifiers: ClinVar variation 1441305 (VCV001441305.9), dbSNP rs2113051809, ClinGen allele CA361889938.

ClinVar aggregate classification (germline): Uncertain significance. Review status: criteria provided, multiple submitters, no conflicts (2 of 4 stars). 2 submissions from 2 submitters: Uncertain significance (2). Last evaluated 2025-11-02.

Conditions:
Inborn genetic diseases. Identifiers: MedGen C0950123, MeSH D030342.
Ichthyosis linearis circumflexa. Identifiers: MedGen C0265962, MONDO:0043106, HP:0025810.

Allele frequency attached by ClinVar (database versions not stated): gnomAD exomes below 0.00001.
gnomAD v4.1: 1 of 1,611,944 alleles (0.000062%); highest among the groups gnomAD compares: Admixed American, 0.0017%; no homozygotes.

Submissions (2):

Ambry Genetics
Classification: Uncertain significance for Inborn genetic diseases. Last evaluated: 2025-11-02. Review status: criteria provided, single submitter. Criteria: Ambry Variant Classification Scheme 2023. Collection method: clinical testing. Allele origin: germline.

Labcorp Genetics (formerly Invitae), Labcorp
Classification: Uncertain significance for Ichthyosis linearis circumflexa. Last evaluated: 2022-02-03. Review status: criteria provided, single submitter. Criteria: Invitae Variant Classification Sherloc (09022015). Collection method: clinical testing. Allele origin: germline.
Comment: In summary, the available evidence is currently insufficient to determine the role of this variant in disease. Therefore, it has been classified as a Variant of Uncertain Significance. This sequence change replaces aspartic acid, which is acidic and polar, with glycine, which is neutral and non-polar, at codon 113 of the SPINK5 protein (p.Asp113Gly). This variant is not present in population databases (gnomAD no frequency). This variant has not been reported in the literature in individuals affected with SPINK5-related conditions. Algorithms developed to predict the effect of missense changes on protein structure and function (SIFT, PolyPhen-2, Align-GVGD) all suggest that this variant is likely to be tolerated.